The following is an entry in ClinVar:

ClinVar aggregate classification (germline): Conflicting classifications of pathogenicity. Review status: criteria provided, conflicting classifications (1 of 4 stars). 3 submissions from 3 submitters: Uncertain significance (1); Likely benign (2). Last evaluated 2025-12-22.

Conditions:
Ataxia-telangiectasia syndrome (AT). Also called: Ataxia telangiectasia (A-T); ATAXIA-TELANGIECTASIA, COMPLEMENTATION GROUP A; ATAXIA-TELANGIECTASIA, FRESNO VARIANT; Ataxia-telangiectasia; Ataxia-telangiectasia, complementation group E; LOUIS-BAR SYNDROME. Identifiers: Orphanet 100, MedGen C0004135, MONDO:0008840, OMIM 208900.
Familial cancer of breast. Also called: Hereditary breast cancer; hereditary breast carcinoma; BREAST CANCER, FAMILIAL. Identifiers: Orphanet 227535, MedGen C0346153, MONDO:0016419, OMIM 114480. Disease mechanism: loss of function.

Allele frequency attached by ClinVar (database versions not stated): gnomAD exomes below 0.00001.
gnomAD v4.1: 1 of 1,609,292 alleles (0.000062%); highest among the groups gnomAD compares: Non-Finnish European, 0.000085%; no homozygotes.

Submissions (3):

Labcorp Genetics (formerly Invitae), Labcorp
Classification: Likely benign for Ataxia-telangiectasia syndrome. Last evaluated: 2025-12-22. Review status: criteria provided, single submitter. Criteria: Invitae Variant Classification Sherloc (09022015). Collection method: clinical testing. Allele origin: germline.

Athena Diagnostics
Classification: Uncertain significance. Last evaluated: 2025-09-02. Review status: criteria provided, single submitter. Criteria: Athena Diagnostics Criteria. Collection method: clinical testing. Allele origin: unknown.
Comment: Available data are insufficient to determine the clinical significance of the variant at this time. This variant has not been reported in large, multi-ethnic general populations. Computational tools yielded predictions that this variant is unlikely to have an effect on normal RNA splicing.

Myriad Genetics, Inc.
Classification: Likely benign for Familial cancer of breast. Last evaluated: 2024-06-21. Review status: criteria provided, single submitter. Criteria: Myriad Autosomal Dominant, Autosomal Recessive and X-Linked Classification Criteria (2023). Collection method: clinical testing. Allele origin: unknown.
Comment: This variant is considered likely benign. This variant is intronic and is not expected to impact mRNA splicing.

NM_000051.4(ATM):c.8850+7T>C

Genes: ATM (ATM serine/threonine kinase; plus strand), C11orf65 (chromosome 11 open reading frame 65; minus strand). Cytogenetic location: 11q22.3.
Variant type: single nucleotide variant.
Coding change: c.8850+7T>C on transcript NM_000051.4 (MANE Select); 7 bases into the intron after coding-DNA position 8850, T replaced by C.
Molecular consequence: intron variant.
Genome position (GRCh38, 1-based): chr11:108,354,881, T>C. VCF-style: chr11-108354881-T-C. GRCh37 (hg19) VCF-style: chr11-108225608-T-C.
Other names: c.8850+7T>C (NM_001351834.2); c.640+31039A>G (NM_001330368.2); c.695-19589A>G (NM_001351110.2).
Identifiers: ClinVar variation 1115165 (VCV001115165.11), dbSNP rs2137355586, ClinGen allele CA2499220739.